The following is an entry in ClinVar:

ClinVar aggregate classification (germline): Uncertain significance (1 of 4 stars; one submission).

Allele frequency attached by ClinVar (database versions not stated): gnomAD 0.00003; TOPMed 0.00003; ExAC 0.00004; gnomAD exomes 0.00009; ESP Exome Variant Server 0.00015.
gnomAD v4.1: 135 of 1,586,870 alleles (0.0085%); highest among the groups gnomAD compares: Non-Finnish European, 0.011%; no homozygotes.

Submission:

Labcorp Genetics (formerly Invitae), Labcorp
Classification: Uncertain significance. Last evaluated: 2023-10-11. Review status: criteria provided, single submitter. Criteria: Invitae Variant Classification Sherloc (09022015). Collection method: clinical testing. Allele origin: germline.
Comment: This sequence change affects codon 93 of the ZMIZ1 mRNA. It is a 'silent' change, meaning that it does not change the encoded amino acid sequence of the ZMIZ1 protein. It affects a nucleotide within the consensus splice site. This variant is present in population databases (rs188428180, gnomAD 0.008%). This variant has not been reported in the literature in individuals affected with ZMIZ1-related conditions. ClinVar contains an entry for this variant (Variation ID: 1969425). Algorithms developed to predict the effect of sequence changes on RNA splicing suggest that this variant is not likely to affect RNA splicing. In summary, the available evidence is currently insufficient to determine the role of this variant in disease. Therefore, it has been classified as a Variant of Uncertain Significance.

NM_020338.4(ZMIZ1):c.279C>T (p.Ala93=)

Gene: ZMIZ1 (zinc finger MIZ-type containing 1; plus strand). Cytogenetic location: 10q22.3.
Variant type: single nucleotide variant.
Coding change: c.279C>T on transcript NM_020338.4 (MANE Select); coding-DNA position 279, C replaced by T.
Protein change: p.Ala93=; no amino-acid change (alanine 93 retained).
Molecular consequence: synonymous variant.
Genome position (GRCh38, 1-based): chr10:79,216,273, C>T. VCF-style: chr10-79216273-C-T. GRCh37 (hg19) VCF-style: chr10-80976030-C-T.
Identifiers: ClinVar variation 1969425 (VCV001969425.5), dbSNP rs188428180, ClinGen allele CA5572241.